The following is an entry in ClinVar:

NM_145861.4(EDARADD):c.*1562T>C

Gene: EDARADD (EDAR associated via death domain; plus strand). Cytogenetic location: 1q43.
Variant type: single nucleotide variant.
Coding change: c.*1562T>C on transcript NM_145861.4 (MANE Select); 1562 bases downstream of the stop codon, T replaced by C.
Molecular consequence: 3 prime UTR variant.
Genome position (GRCh38, 1-based): chr1:236,484,211, T>C. VCF-style: chr1-236484211-T-C. GRCh37 (hg19) VCF-style: chr1-236647511-T-C.
Other names: c.*1562T>C (NM_001422628.1, NM_080738.5).
Identifiers: ClinVar variation 296476 (VCV000296476.9), dbSNP rs7513402, ClinGen allele CA10609428.
Genomic context (GRCh38, chr1:236,484,211, plus strand): 5'-CTCGGCCGTGAATGAGAAGAAGTGCAACTGCCTCCTGCTCAAAGTGAACCAGATTCGCTC[T>C]GTGACTGAGTCCCTTCAGGCGTGCAAGCTGGCCCAGGCCAATGGTTGGTGTGTCATGGTG-3'

ClinVar aggregate classification (germline): Benign/Likely benign. Review status: criteria provided, multiple submitters, no conflicts (2 of 4 stars). 3 submissions from 3 submitters: Benign (2); Likely benign (1). Last evaluated 2021-05-11.

Conditions:
Hypohidrotic ectodermal dysplasia (HED). Identifiers: Orphanet 238468, MedGen C5848103, MONDO:0016535, HP:0007607.

Allele frequency attached by ClinVar (database versions not stated): 1000 Genomes Project 30x 0.25437; gnomAD 0.31448 and 0.31485; 1000 Genomes Project 0.25399; gnomAD exomes 0.34688; TOPMed 0.30705.
gnomAD v4.1: 349,328 of 1,022,450 alleles (34%); highest among the groups gnomAD compares: Non-Finnish European, 36%; 62,133 homozygotes.

Submissions (3):

GeneDx
Classification: Benign. Last evaluated: 2021-05-11. Review status: criteria provided, single submitter. Criteria: GeneDx Variant Classification Process June 2021. Collection method: clinical testing. Allele origin: germline. Affected: yes.

Illumina Laboratory Services, Illumina
Classification: Benign for Hypohidrotic ectodermal dysplasia. Last evaluated: 2018-01-13. Review status: criteria provided, single submitter. Criteria: ICSL Variant Classification Criteria 13 December 2019. Collection method: clinical testing. Allele origin: germline.
Comment: This variant was observed in the ICSL laboratory as part of a predisposition screen in an ostensibly healthy population. It had not been previously curated by ICSL or reported in the Human Gene Mutation Database (HGMD: prior to June 1st, 2018), and was therefore a candidate for classification through an automated scoring system. Utilizing variant allele frequency, disease prevalence and penetrance estimates, and inheritance mode, an automated score was calculated to assess if this variant is too frequent to cause the disease. Based on the score and internal cut-off values, a variant classified as benign is not then subjected to further curation. The score for this variant resulted in a classification of benign for this disease.

Breakthrough Genomics
Classification: Likely benign. Review status: criteria provided, single submitter. Criteria: ACMG Guidelines, 2015. Collection method: not provided. Allele origin: germline. Inheritance: Autosomal recessive inheritance. Affected: yes.